The following is an entry in ClinVar:

NM_014679.5(CEP57):c.1261T>C (p.Tyr421His)

Gene: CEP57 (centrosomal protein 57; plus strand). Cytogenetic location: 11q21.
Variant type: single nucleotide variant.
Coding change: c.1261T>C on transcript NM_014679.5 (MANE Select); coding-DNA position 1261, T replaced by C.
Protein change: p.Tyr421His; replaces tyrosine 421 with histidine.
Molecular consequence: missense variant.
Genome position (GRCh38, 1-based): chr11:95,829,320, T>C. VCF-style: chr11-95829320-T-C. GRCh37 (hg19) VCF-style: chr11-95562484-T-C.
Other names: c.1234T>C, p.Tyr412His (NM_001243776.2); c.1183T>C, p.Tyr395His (NM_001243777.2); c.1180T>C, p.Tyr394His (NM_001363604.2); short protein forms Y395H, Y394H, Y421H, Y412H.
Identifiers: ClinVar variation 3831937 (VCV003831937.1).
Genomic context (GRCh38, chr11:95,829,320, plus strand): 5'-TTGGAGGCATTAGTGGGAAGGATGGAAGCAAAAGCCAACCAAATAACTAAAGTTCGAAAA[T>C]ACCAAGCCCAGGTAACTCAGTTTTCCTTCACTCAAGTTTCTAATGATTAAGAAAAAAAAA-3'
Protein context (NP_055494.2, residues 411-431): KANQITKVRK[Tyr421His]QAQLEKQKLE

ClinVar aggregate classification (germline): Uncertain significance (1 of 4 stars; one submission).

Conditions:
Inborn genetic diseases. Identifiers: MedGen C0950123, MeSH D030342.

Submission:

Ambry Genetics
Classification: Uncertain significance for Inborn genetic diseases. Last evaluated: 2024-12-16. Review status: criteria provided, single submitter. Criteria: Ambry Variant Classification Scheme 2023. Collection method: clinical testing. Allele origin: germline.
Comment: The p.Y421H variant (also known as c.1261T>C), located in coding exon 10 of the CEP57 gene, results from a T to C substitution at nucleotide position 1261. The tyrosine at codon 421 is replaced by histidine, an amino acid with similar properties. This amino acid position is conserved. In addition, this alteration is predicted to be tolerated by in silico analysis. Based on the available evidence, the clinical significance of this variant remains unclear.